The following is an entry in ClinVar:

NM_000059.4(BRCA2):c.1832C>A (p.Ser611Ter)

Gene: BRCA2 (BRCA2 DNA repair associated; plus strand). Cytogenetic location: 13q13.1.
Variant type: single nucleotide variant.
Coding change: c.1832C>A on transcript NM_000059.4 (MANE Select); coding-DNA position 1832, C replaced by A.
Protein change: p.Ser611Ter; replaces serine 611 with a stop codon.
Molecular consequence: nonsense.
Genome position (GRCh38, 1-based): chr13:32,333,310, C>A. VCF-style: chr13-32333310-C-A. GRCh37 (hg19) VCF-style: chr13-32907447-C-A.
Other names: p.S611*:TCA>TAA; 2060C>A; short protein forms S611*.
Identifiers: ClinVar variation 37764 (VCV000037764.61), dbSNP rs80358474, ClinGen allele CA013511.

ClinVar aggregate classification (germline): Pathogenic. Review status: reviewed by expert panel (3 of 4 stars). 21 submissions from 21 submitters: Pathogenic (1). 20 of the submissions do not count toward it. Last evaluated 2016-09-08.

Conditions:
BRCA2-related cancer predisposition. Identifiers: MedGen CN377758, MONDO:0700269.
Hereditary cancer-predisposing syndrome. Also called: Hereditary neoplastic syndrome; Neoplastic Syndromes, Hereditary; Hereditary Cancer Syndrome; Tumor predisposition. Identifiers: Orphanet 140162, MedGen C0027672, MeSH D009386, MONDO:0015356.
Hereditary breast ovarian cancer syndrome. Also called: Hereditary breast and/or ovarian cancer syndrome; Hereditary breast and ovarian cancer syndrome; Hereditary breast and ovarian cancer syndrome (HBOC); Breast and ovarian cancer; BRCA1- and BRCA2-Associated Hereditary Breast and Ovarian Cancer; Hereditary breast and ovarian cancer. Identifiers: Orphanet 145, MedGen C0677776, MeSH D061325, MONDO:0003582. Disease mechanism: loss of function.
Breast-ovarian cancer, familial, susceptibility to, 2 (BROVCA2). Also called: BRCA2 Hereditary Breast and Ovarian Cancer. Identifiers: Orphanet 145, MedGen C2675520, MONDO:0012933, OMIM 612555. Disease mechanism: loss of function.
Familial cancer of breast. Also called: Hereditary breast cancer; hereditary breast carcinoma; BREAST CANCER, FAMILIAL. Identifiers: Orphanet 227535, MedGen C0346153, MONDO:0016419, OMIM 114480. Disease mechanism: loss of function.
Malignant tumor of breast. Also called: Cancer breast; Malignant breast neoplasm. Identifiers: MedGen C0006142, MONDO:0007254. Disease mechanism: loss of function.

Submissions 1 to 10 of 21:

Evidence-based Network for the Interpretation of Germline Mutant Alleles (ENIGMA)
Classification: Pathogenic for Breast-ovarian cancer, familial, susceptibility to, 2. Last evaluated: 2016-09-08. Review status: reviewed by expert panel. Criteria: ENIGMA BRCA1/2 Classification Criteria (2015). Collection method: curation. Allele origin: germline.
Comment: Variant allele predicted to encode a truncated non-functional protein.

Ambry Genetics
Classification: Pathogenic for Hereditary cancer-predisposing syndrome. Last evaluated: 2026-05-14. Review status: criteria provided, single submitter. Criteria: Ambry Variant Classification Scheme 2023. Collection method: clinical testing. Allele origin: germline. Not counted in ClinVar's aggregate classification.
Comment: The c.1832C>A (p.S611*) alteration, located in exon 10 (coding exon 9) of the BRCA2 gene, consists of a C to A substitution at nucleotide position 1832. This changes the amino acid from a serine (S) to a stop codon at amino acid position 611. This variant is expected to result in loss of function by premature protein truncation or nonsense-mediated mRNA decay. This variant was not reported in population-based cohorts in the Genome Aggregation Database (gnomAD). This variant was classified as pathogenic by a statistical variant reclassification tool based on probands' clinical histories (Pruss, 2014). This variant (also designated 2060C>A) has been reported in multiple hereditary breast and ovarian cancer families (Lubinski, 2004; Cao, 2013; Zhang, 2012). This variant was identified in 1/10030 consecutive patients referred for evaluation by an NGS hereditary cancer panel (Susswein, 2016). This variant was identified in a large, worldwide study of BRCA1/2 mutation positive families (Rebbeck, 2018). Based on the available evidence, this alteration is classified as pathogenic.

Labcorp Genetics (formerly Invitae), Labcorp
Classification: Pathogenic for Hereditary breast ovarian cancer syndrome. Last evaluated: 2025-10-15. Review status: criteria provided, single submitter. Criteria: Invitae Variant Classification Sherloc (09022015). Collection method: clinical testing. Allele origin: germline. Not counted in ClinVar's aggregate classification.
Comment: This sequence change creates a premature translational stop signal (p.Ser611*) in the BRCA2 gene. It is expected to result in an absent or disrupted protein product. Loss-of-function variants in BRCA2 are known to be pathogenic (PMID: 20104584). This variant is not present in population databases (gnomAD no frequency). This premature translational stop signal has been observed in individual(s) with breast and/or ovarian cancer (PMID: 15131399, 24156927, 26187060, 26681312, 26848529). This variant is also known as 2060C>A. ClinVar contains an entry for this variant (Variation ID: 37764). RNA analysis performed to evaluate the impact of this premature translational stop signal on mRNA splicing indicates it does not significantly alter splicing (internal data). For these reasons, this variant has been classified as Pathogenic.

ARUP Laboratories, Molecular Genetics and Genomics, ARUP Laboratories
Classification: Pathogenic. Last evaluated: 2024-12-09. Review status: criteria provided, single submitter. Criteria: ARUP Molecular Germline Variant Investigation Process 2024. Collection method: clinical testing. Allele origin: germline. Not counted in ClinVar's aggregate classification.
Comment: The BRCA2 c.1832C>A; p.Ser611Ter variant (rs80358474), also known as 2060C>A, is associated with hereditary breast and ovarian cancer syndrome (Kwong 2016, Lubinski 2004, Susswein 2016). This variant is also classified as pathogenic by an expert panel in ClinVar (Variation ID: 37764). It is absent from the Genome Aggregation Database (v2.1.1), indicating it is not a common polymorphism. This variant induces an early termination codon and is predicted to result in a truncated protein or mRNA subject to nonsense-mediated decay. Based on available information, this variant is considered to be pathogenic. References: Kwong A et al. Comprehensive spectrum of BRCA1 and BRCA2 deleterious mutations in breast cancer in Asian countries. J Med Genet. 2016 Jan;53(1):15-23. PMID: 26187060. Lubinski J et al. Cancer variation associated with the position of the mutation in the BRCA2 gene. Fam Cancer. 2004;3(1):1-10. PMID: 15131399. Susswein LR et al. Pathogenic and likely pathogenic variant prevalence among the first 10,000 patients referred for next-generation cancer panel testing. Genet Med. 2016 Aug;18(8):823-32. PMID: 26681312.

Molecular Pathology, Peter Maccallum Cancer Centre
Classification: Pathogenic for Breast-ovarian cancer, familial, susceptibility to, 2. Last evaluated: 2024-06-02. Review status: criteria provided, single submitter. Criteria: ACMG Guidelines, 2015. Collection method: clinical testing. Allele origin: germline. Inheritance: Autosomal dominant inheritance. Not counted in ClinVar's aggregate classification.

Mayo Clinic Laboratories, Mayo Clinic
Classification: Pathogenic. Last evaluated: 2024-05-17. Review status: criteria provided, single submitter. Criteria: ACMG Guidelines, 2015. Collection method: clinical testing. Allele origin: germline. Observed: 1 variant allele. Not counted in ClinVar's aggregate classification.
Comment: PM2, PM5_strong, PVS1

All of Us Research Program, National Institutes of Health
Classification: Pathogenic for BRCA2-related cancer predisposition. Last evaluated: 2024-03-28. Review status: criteria provided, single submitter. Criteria: ACMG Guidelines, 2015. Collection method: clinical testing. Allele origin: germline. Inheritance: Autosomal dominant inheritance. Observed: 4 variant alleles, 4 heterozygotes. Not counted in ClinVar's aggregate classification.
Comment: This variant changes 1 nucleotide in exon 10 of the BRCA2 gene, creating a premature translation stop signal. This variant is expected to result in an absent or non-functional protein product. To our knowledge, functional studies have not been reported for this variant. This variant has been detected in at least six individuals affected with breast cancer (PMID: 21614564, 25151137, 26681312, 33471991; Leiden Open Variation Database DB-ID BRCA2_004282; Color internal data) and in suspected hereditary breast and ovarian cancer families (PMID: 15131399, 24156927). This variant has not been identified in the general population by the Genome Aggregation Database (gnomAD). Loss of BRCA2 function is a known mechanism of disease. Based on the available evidence, this variant is classified as Pathogenic.

This study involves interpretation of variants in research participants for the purpose of population health screening. Participant phenotype was not available at the time of variant classification. Additional details can be found in publication PMID: 35346344, PMCID: PMC8962531

Baylor Genetics
Classification: Pathogenic for Familial cancer of breast. Last evaluated: 2024-01-26. Review status: criteria provided, single submitter. Criteria: ACMG Guidelines, 2015. Collection method: clinical testing. Allele origin: unknown. Not counted in ClinVar's aggregate classification.

Color Diagnostics, LLC DBA Color Health
Classification: Pathogenic for Hereditary cancer-predisposing syndrome. Last evaluated: 2023-04-18. Review status: criteria provided, single submitter. Criteria: ACMG Guidelines, 2015. Collection method: clinical testing. Allele origin: germline. Not counted in ClinVar's aggregate classification.
Comment: This variant changes 1 nucleotide in exon 10 of the BRCA2 gene, creating a premature translation stop signal. This variant is expected to result in an absent or non-functional protein product. This variant has been detected in at least six individuals affected with breast cancer (PMID: 21614564, 25151137, 26681312, 33471991; Leiden Open Variation Database DB-ID BRCA2_004282; Color internal data) and in suspected hereditary breast and ovarian cancer families (PMID: 15131399, 24156927). This variant has not been identified in the general population by the Genome Aggregation Database (gnomAD). Loss of BRCA2 function is a known mechanism of disease. Based on the available evidence, this variant is classified as Pathogenic.

Variantyx, Inc.
Classification: Pathogenic for Hereditary breast ovarian cancer syndrome. Last evaluated: 2022-11-07. Review status: criteria provided, single submitter. Criteria: Variantyx Assertion Criteria 2022. Collection method: clinical testing. Allele origin: germline. Inheritance: Autosomal dominant inheritance. Affected: yes. Not counted in ClinVar's aggregate classification.
Comment: This is a nonsense variant in the BRCA2 gene (OMIM 600185). Heterozygous pathogenic variants in this gene have been associated with autosomal dominant hereditary breast and ovarian cancer syndrome (HBOC). This variant introduces a premature termination codon in exon 10 out of 27. It is expected to result in loss of function, which is a known disease mechanism for BRCA2 (PMID: 20301425) (PVS1). Multiple reputable laboratories have reported this variant as pathogenic or likely pathogenic, and this classification has been supported by an expert panel in ClinVar (PP5). This variant is absent from control populations (PM2_Supporting). Based on the current evidence, this variant is classified as pathogenic for autosomal dominant HBOC.